The following is an entry in ClinVar:

NM_004371.4(COPA):c.1001A>G (p.His334Arg)

Gene: COPA (coat protein complex I subunit alpha; minus strand). Cytogenetic location: 1q23.2.
Variant type: single nucleotide variant.
Coding change: c.1001A>G on transcript NM_004371.4 (MANE Select); coding-DNA position 1001, A replaced by G.
Protein change: p.His334Arg; replaces histidine 334 with arginine.
Molecular consequence: missense variant.
Genome position (GRCh38, 1-based): chr1:160,311,943, T>C on the plus strand (A>G on the coding strand, the complement: COPA is on the minus strand). VCF-style: chr1-160311943-T-C. GRCh37 (hg19) VCF-style: chr1-160281733-T-C.
Other names: c.1001A>G, p.His334Arg (NM_001098398.2); short protein forms H334R.
Identifiers: ClinVar variation 3690919 (VCV003690919.2).
Genomic context (GRCh38, chr1:160,311,943, plus strand): 5'-ACAGCTACATCTTTGGAGCTGTTGAAATCCAGCTGTCGTAAGAATCGGTCCTTGACATAG[T>C]GTAGCATATTGCCATGAACAGCATAGGCTGGCCGTTCCCGTTCCAGCTTAAACACAATCA-3'
Protein context (NP_004362.2, residues 324-344): PAYAVHGNML[His334Arg]YVKDRFLRQL

ClinVar aggregate classification (germline): Uncertain significance (1 of 4 stars; one submission).

Conditions:
Autoimmune interstitial lung disease-arthritis syndrome. Also called: Autoinflammation and autoimmunity, systemic, with immune dysregulation. Identifiers: Orphanet 444092, MedGen C5975714, MONDO:0014629.

gnomAD v4.1: 1 of 1,614,068 alleles (0.000062%); highest among the groups gnomAD compares: Non-Finnish European, 0.000085%; no homozygotes.

Submission:

Labcorp Genetics (formerly Invitae), Labcorp
Classification: Uncertain significance for Autoimmune interstitial lung disease-arthritis syndrome. Last evaluated: 2025-04-08. Review status: criteria provided, single submitter. Criteria: Invitae Variant Classification Sherloc (09022015). Collection method: clinical testing. Allele origin: germline.
Comment: This sequence change replaces histidine, which is basic and polar, with arginine, which is basic and polar, at codon 334 of the COPA protein (p.His334Arg). This variant is not present in population databases (gnomAD no frequency). This variant has not been reported in the literature in individuals affected with COPA-related conditions. ClinVar contains an entry for this variant (Variation ID: 3690919). Invitae Evidence Modeling of protein sequence and biophysical properties (such as structural, functional, and spatial information, amino acid conservation, physicochemical variation, residue mobility, and thermodynamic stability) indicates that this missense variant is not expected to disrupt COPA protein function with a negative predictive value of 80%. In summary, the available evidence is currently insufficient to determine the role of this variant in disease. Therefore, it has been classified as a Variant of Uncertain Significance.